The following is an entry in ClinVar:

NM_024675.4(PALB2):c.3475T>G (p.Trp1159Gly)

Gene: PALB2 (partner and localizer of BRCA2; minus strand). Cytogenetic location: 16p12.2.
Variant type: single nucleotide variant.
Coding change: c.3475T>G on transcript NM_024675.4 (MANE Select); coding-DNA position 3475, T replaced by G.
Protein change: p.Trp1159Gly; replaces tryptophan 1159 with glycine.
Molecular consequence: missense variant.
Genome position (GRCh38, 1-based): chr16:23,603,545, A>C on the plus strand (T>G on the coding strand, the complement: PALB2 is on the minus strand). VCF-style: chr16-23603545-A-C. GRCh37 (hg19) VCF-style: chr16-23614866-A-C.
Other names: short protein forms W1159G.
Identifiers: ClinVar variation 1349050 (VCV001349050.9), dbSNP rs876660792, ClinGen allele CA395138001.

ClinVar aggregate classification (germline): Uncertain significance (1 of 4 stars; one submission).

Conditions:
Familial cancer of breast. Also called: hereditary breast carcinoma; Hereditary breast cancer; BREAST CANCER, FAMILIAL. Identifiers: Orphanet 227535, MedGen C0346153, MONDO:0016419, OMIM 114480. Disease mechanism: loss of function.

Allele frequency attached by ClinVar (database versions not stated): gnomAD 0.00001.
gnomAD v4.1: 1 of 1,614,066 alleles (0.000062%); highest among the groups gnomAD compares: Non-Finnish European, 0.000085%; no homozygotes.

Submission:

Labcorp Genetics (formerly Invitae), Labcorp
Classification: Uncertain significance for Familial cancer of breast. Last evaluated: 2021-04-26. Review status: criteria provided, single submitter. Criteria: Invitae Variant Classification Sherloc (09022015). Collection method: clinical testing. Allele origin: germline.
Comment: In summary, the available evidence is currently insufficient to determine the role of this variant in disease. Therefore, it has been classified as a Variant of Uncertain Significance. Algorithms developed to predict the effect of missense changes on protein structure and function are either unavailable or do not agree on the potential impact of this missense change (SIFT: "Deleterious"; PolyPhen-2: "Probably Damaging"; Align-GVGD: "Class C0"). This variant has not been reported in the literature in individuals with PALB2-related conditions. This variant is not present in population databases (ExAC no frequency). This sequence change replaces tryptophan with glycine at codon 1159 of the PALB2 protein (p.Trp1159Gly). The tryptophan residue is highly conserved and there is a large physicochemical difference between tryptophan and glycine.